The following is an entry in ClinVar:

NM_177531.6(PKHD1L1):c.8757G>A (p.Lys2919=)

Gene: PKHD1L1 (PKHD1 like 1; plus strand). Cytogenetic location: 8q23.1.
Variant type: single nucleotide variant.
Coding change: c.8757G>A on transcript NM_177531.6 (MANE Select); coding-DNA position 8757, G replaced by A.
Protein change: p.Lys2919=; no amino-acid change (lysine 2919 retained).
Molecular consequence: synonymous variant.
Genome position (GRCh38, 1-based): chr8:109,475,269, G>A. VCF-style: chr8-109475269-G-A. GRCh37 (hg19) VCF-style: chr8-110487498-G-A.
Identifiers: ClinVar variation 4985109 (VCV004985109.1).

ClinVar aggregate classification (germline): Uncertain significance (1 of 4 stars; one submission).

Conditions:
PKHD1L1-related disorder. Also called: PKHD1L1-related condition.

gnomAD v4.1: 6 of 1,595,430 alleles (0.00038%); highest among the groups gnomAD compares: Non-Finnish European, 0.00043%; no homozygotes.

Submission:

PreventionGenetics, part of Exact Sciences
Classification: Uncertain significance for PKHD1L1-related condition. Last evaluated: 2026-01-22. Review status: criteria provided, single submitter. Criteria: ACMG Guidelines, 2015. Collection method: clinical testing. Allele origin: germline.
Comment: The PKHD1L1 c.8757G>A variant is not predicted to result in an amino acid change (p.=). This variant occurs at the last nucleotide of exon 51 and is predicted to impact splicing based on available splicing prediction programs (SpliceAI, Jaganathan et al. 2019. PubMed ID: 30661751). To our knowledge, this variant has not been reported in the literature. This variant is reported in 0.0016% of alleles in individuals of European (Non-Finnish) descent in gnomAD. At this time, the clinical significance of this variant is uncertain due to the absence of conclusive functional and genetic evidence.